The following is an entry in ClinVar:

NM_006014.5(LAGE3):c.27C>T (p.Gly9=)

Genes: LAGE3 (L antigen family member 3; minus strand), LOC130068876 (ATAC-STARR-seq lymphoblastoid silent region 21109; plus strand). Cytogenetic location: Xq28.
Variant type: single nucleotide variant.
Coding change: c.27C>T on transcript NM_006014.5 (MANE Select); coding-DNA position 27, C replaced by T.
Protein change: p.Gly9=; no amino-acid change (glycine 9 retained).
Molecular consequence: synonymous variant.
Genome position (GRCh38, 1-based): chrX:154,478,889, G>A on the plus strand (C>T on the coding strand, the complement: LAGE3 is on the minus strand). VCF-style: chrX-154478889-G-A. GRCh37 (hg19) VCF-style: chrX-153707228-G-A.
Other names: c.27C>T (NM_006014.4).
Identifiers: ClinVar variation 1422711 (VCV001422711.8), dbSNP rs781818854, ClinGen allele CA10565298.

ClinVar aggregate classification (germline): Likely benign. Review status: criteria provided, single submitter (1 of 4 stars). 2 submissions from 2 submitters: Likely benign (1). 1 of the submissions does not count toward it. Last evaluated 2026-01-13.

Conditions:
LAGE3-related disorder. Also called: LAGE3-related condition.

Allele frequency attached by ClinVar (database versions not stated): TOPMed 0.00023; gnomAD 0.00024.
gnomAD v4.1: 508 of 998,533 alleles (0.051%); highest among the groups gnomAD compares: Non-Finnish European, 0.06%; no homozygotes.

Submissions (2):

Labcorp Genetics (formerly Invitae), Labcorp
Classification: Likely benign. Last evaluated: 2026-01-13. Review status: criteria provided, single submitter. Criteria: Invitae Variant Classification Sherloc (09022015). Collection method: clinical testing. Allele origin: germline.

PreventionGenetics, part of Exact Sciences
Classification: Likely benign for LAGE3-related condition. Last evaluated: 2019-02-28. Review status: no assertion criteria provided. Collection method: clinical testing. Allele origin: germline. Not counted in ClinVar's aggregate classification.
Comment: This variant is classified as likely benign based on ACMG/AMP sequence variant interpretation guidelines (Richards et al. 2015 PMID: 25741868, with internal and published modifications).